The following is an entry in ClinVar:

NM_001358263.1(HK1):c.-270G>C

Gene: HK1 (hexokinase 1; plus strand). Cytogenetic location: 10q22.1.
Variant type: single nucleotide variant.
Coding change: c.-270G>C on transcript NM_001358263.1 (MANE Plus Clinical); 270 bases upstream of the start codon, G replaced by C.
Molecular consequence: 5 prime UTR variant. On other transcripts: intron variant (5).
Genome position (GRCh38, 1-based): chr10:69,278,711, G>C. VCF-style: chr10-69278711-G-C. GRCh37 (hg19) VCF-style: chr10-71038467-G-C.
Other names: -3818-195G-C, AltT2 EXON; c.-390-3818G>C (NM_033500.2); c.-195-3818G>C (NM_001322365.2, NM_033497.3); c.-249-3818G>C (NM_033498.3); c.-74+8603G>C (NM_001322364.2).
Identifiers: ClinVar variation 40213 (VCV000040213.39), dbSNP rs397514654, ClinGen allele CA130786.

ClinVar aggregate classification (germline): Conflicting classifications of pathogenicity. Review status: criteria provided, conflicting classifications (1 of 4 stars). 7 submissions from 7 submitters: Pathogenic (3); Likely pathogenic (2); Likely benign (1). 1 of the submissions does not count toward it. Last evaluated 2024-08-12.

Conditions:
HK1-related disorder. Also called: HK1-related disorders; HK1-related condition.
Charcot-Marie-Tooth disease type 4G. Also called: CHARCOT-MARIE-TOOTH DISEASE, DEMYELINATING, TYPE 4G; CHARCOT-MARIE-TOOTH NEUROPATHY, TYPE 4G; Neuropathy, hereditary motor and sensory, Russe type. Identifiers: Orphanet 99953, MedGen C1854449, MONDO:0011534, OMIM 605285.
Hemolytic anemia due to hexokinase deficiency (CNSHA5). Also called: ANEMIA, CONGENITAL, NONSPHEROCYTIC HEMOLYTIC, 5; Hexokinase deficiency hemolytic anemia; HEMOLYTIC ANEMIA, NONSPHEROCYTIC, DUE TO HEXOKINASE DEFICIENCY; Non-spherocytic hemolytic anemia due to hexokinase deficiency. Identifiers: Orphanet 90031, MedGen C3150343, MONDO:0009340, OMIM 235700.

Allele frequency attached by ClinVar (database versions not stated): TOPMed below 0.00001.

Submissions (7):

Institute of Human Genetics Munich, TUM University Hospital
Classification: Likely pathogenic for Charcot-Marie-Tooth disease type 4G. Last evaluated: 2024-08-12. Review status: criteria provided, single submitter. Criteria: Classification criteria August 2017. Collection method: clinical testing. Allele origin: germline. Inheritance: Autosomal recessive inheritance. Affected: yes. Observed: 1 variant allele.

CeGaT Center for Human Genetics Tuebingen
Classification: Pathogenic. Last evaluated: 2024-08-01. Review status: criteria provided, single submitter. Criteria: CeGaT Center For Human Genetics Tuebingen Variant Classification Criteria Version 2. Collection method: clinical testing. Allele origin: germline. Affected: yes. Observed: 2 variant alleles.
Comment: HK1: PM3:Very Strong, PM2

Blueprint Genetics
Classification: Likely pathogenic for HK1-related disorders. Last evaluated: 2024-06-17. Review status: criteria provided, single submitter. Criteria: ACMG Guidelines, 2015. Collection method: clinical testing. Allele origin: germline. Affected: yes. Observed: 5 variant alleles.

Labcorp Genetics (formerly Invitae), Labcorp
Classification: Likely benign. Last evaluated: 2024-01-15. Review status: criteria provided, single submitter. Criteria: Invitae Variant Classification Sherloc (09022015). Collection method: clinical testing. Allele origin: germline.

Mendelics
Classification: Pathogenic for Hemolytic anemia due to hexokinase deficiency. Last evaluated: 2022-05-04. Review status: criteria provided, single submitter. Criteria: Mendelics Assertion Criteria 2019. Collection method: clinical testing. Allele origin: germline.

Institute for Medical Genetics and Human Genetics, Charité - Universitätsmedizin Berlin
Classification: Pathogenic. Review status: criteria provided, single submitter. Criteria: ACMG Guidelines, 2015. Collection method: not provided. Allele origin: germline. Affected: yes.

OMIM
Classification: Pathogenic for NEUROPATHY, HEREDITARY MOTOR AND SENSORY, RUSSE TYPE. Last evaluated: 2013-06-01. Review status: no assertion criteria provided. Collection method: literature only. Allele origin: germline. Not counted in ClinVar's aggregate classification.

Literature cited by the submitters: PubMed 22978647 (cited by Institute of Human Genetics Munich, TUM University Hospital and OMIM); PubMed 19536174 (cited by OMIM); Chandler, D. Personal Communication. 2013. Perth, Australia (cited by OMIM).